The following is an entry in ClinVar:

ClinVar aggregate classification (germline): Uncertain significance. Review status: criteria provided, multiple submitters, no conflicts (2 of 4 stars). 2 submissions from 2 submitters: Uncertain significance (2). Last evaluated 2024-06-30.

Conditions:
Left ventricular noncompaction 8 (LVNC8). Identifiers: Orphanet 154, Orphanet 54260, MedGen C3809288, MONDO:0014152, OMIM 615373.

Allele frequency attached by ClinVar (database versions not stated): gnomAD exomes 0.00001 and 0.00002; TOPMed 0.00001; ExAC 0.00002; gnomAD 0.00002.
gnomAD v4.1: 18 of 1,613,532 alleles (0.0011%); highest among the groups gnomAD compares: South Asian, 0.0044%; no homozygotes.

Submissions (2):

Labcorp Genetics (formerly Invitae), Labcorp
Classification: Uncertain significance for Left ventricular noncompaction 8. Last evaluated: 2024-06-30. Review status: criteria provided, single submitter. Criteria: Invitae Variant Classification Sherloc (09022015). Collection method: clinical testing. Allele origin: germline.
Comment: This sequence change replaces glycine, which is neutral and non-polar, with serine, which is neutral and polar, at codon 601 of the PRDM16 protein (p.Gly601Ser). This variant is present in population databases (rs773915002, gnomAD 0.006%). This variant has not been reported in the literature in individuals affected with PRDM16-related conditions. ClinVar contains an entry for this variant (Variation ID: 1009145). An algorithm developed to predict the effect of missense changes on protein structure and function (PolyPhen-2) suggests that this variant is likely to be tolerated. In summary, the available evidence is currently insufficient to determine the role of this variant in disease. Therefore, it has been classified as a Variant of Uncertain Significance.

Blueprint Genetics
Classification: Uncertain significance. Last evaluated: 2024-05-06. Review status: criteria provided, single submitter. Criteria: ACMG Guidelines, 2015. Collection method: clinical testing. Allele origin: germline.

NM_022114.4(PRDM16):c.1801G>A (p.Gly601Ser)

Gene: PRDM16 (PR/SET domain 16; plus strand). Cytogenetic location: 1p36.32.
Variant type: single nucleotide variant.
Coding change: c.1801G>A on transcript NM_022114.4 (MANE Select); coding-DNA position 1801, G replaced by A.
Protein change: p.Gly601Ser; replaces glycine 601 with serine.
Molecular consequence: missense variant.
Genome position (GRCh38, 1-based): chr1:3,411,998, G>A. VCF-style: chr1-3411998-G-A. GRCh37 (hg19) VCF-style: chr1-3328562-G-A.
Other names: c.1801G>A, p.Gly601Ser (NM_199454.3); short protein forms G601S.
Identifiers: ClinVar variation 1009145 (VCV001009145.9), dbSNP rs773915002, ClinGen allele CA544294.